The following is an entry in ClinVar:

ClinVar aggregate classification (germline): Uncertain significance. Review status: criteria provided, multiple submitters, no conflicts (2 of 4 stars). 7 submissions from 7 submitters: Uncertain significance (7). Last evaluated 2026-01-11.

Conditions:
Familial adenomatous polyposis 1 (FAP1). Also called: FAMILIAL ADENOMATOUS POLYPOSIS 1, ATTENUATED; POLYPOSIS, ADENOMATOUS INTESTINAL. Identifiers: MedGen C2713442, MONDO:0021056, OMIM 175100. Disease mechanism: loss of function.
Classic or attenuated familial adenomatous polyposis. Identifiers: MedGen CN372698, MONDO:0021057.
Hereditary cancer-predisposing syndrome. Also called: Hereditary neoplastic syndrome; Neoplastic Syndromes, Hereditary; Tumor predisposition; Hereditary Cancer Syndrome. Identifiers: Orphanet 140162, MedGen C0027672, MeSH D009386, MONDO:0015356.

Allele frequency attached by ClinVar (database versions not stated): gnomAD exomes below 0.00001; TOPMed below 0.00001.
gnomAD v4.1: 4 of 1,610,722 alleles (0.00025%); highest among the groups gnomAD compares: Non-Finnish European, 0.00034%; no homozygotes.

Submissions (7):

Labcorp Genetics (formerly Invitae), Labcorp
Classification: Uncertain significance for Familial adenomatous polyposis 1. Last evaluated: 2026-01-11. Review status: criteria provided, single submitter. Criteria: Invitae Variant Classification Sherloc (09022015). Collection method: clinical testing. Allele origin: germline.
Comment: This sequence change replaces asparagine, which is neutral and polar, with serine, which is neutral and polar, at codon 2162 of the APC protein (p.Asn2162Ser). This variant is not present in population databases (gnomAD no frequency). This variant has not been reported in the literature in individuals affected with APC-related conditions. ClinVar contains an entry for this variant (Variation ID: 421555). Invitae Evidence Modeling of protein sequence and biophysical properties (such as structural, functional, and spatial information, amino acid conservation, physicochemical variation, residue mobility, and thermodynamic stability) indicates that this missense variant is not expected to disrupt APC protein function with a negative predictive value of 95%. In summary, the available evidence is currently insufficient to determine the role of this variant in disease. Therefore, it has been classified as a Variant of Uncertain Significance.

Quest Diagnostics Nichols Institute San Juan Capistrano
Classification: Uncertain significance. Last evaluated: 2025-04-14. Review status: criteria provided, single submitter. Criteria: Quest Diagnostics criteria. Collection method: clinical testing. Allele origin: unknown.
Comment: The APC c.6485A>G (p.Asn2162Ser) variant has not been reported in individuals with APC-related conditions in the published literature. It also has not been reported in large, multi-ethnic general populations (Genome Aggregation Database). Analysis of this variant using bioinformatics tools for the prediction of the effect of amino acid changes on protein structure and function yielded conflicting predictions that this variant is deleterious or benign. Based on the available information, we are unable to determine the clinical significance of this variant.

Color Diagnostics, LLC DBA Color Health
Classification: Uncertain significance for Hereditary cancer-predisposing syndrome. Last evaluated: 2024-03-06. Review status: criteria provided, single submitter. Criteria: ACMG Guidelines, 2015. Collection method: clinical testing. Allele origin: germline.
Comment: This missense variant replaces asparagine with serine at codon 2162 of the APC protein. Computational prediction suggests that this variant may not impact protein structure and function (internally defined REVEL score threshold <= 0.5, PMID: 27666373). To our knowledge, functional studies have not been reported for this variant. This variant has not been reported in individuals affected with APC-related disorders in the literature. This variant has not been identified in the general population by the Genome Aggregation Database (gnomAD). The available evidence is insufficient to determine the role of this variant in disease conclusively. Therefore, this variant is classified as a Variant of Uncertain Significance.

Ambry Genetics
Classification: Uncertain significance for Hereditary cancer-predisposing syndrome. Last evaluated: 2024-01-31. Review status: criteria provided, single submitter. Criteria: Ambry Variant Classification Scheme 2023. Collection method: clinical testing. Allele origin: germline.
Comment: The p.N2162S variant (also known as c.6485A>G), located in coding exon 15 of the APC gene, results from an A to G substitution at nucleotide position 6485. The asparagine at codon 2162 is replaced by serine, an amino acid with highly similar properties. This amino acid position is not well conserved in available vertebrate species. In addition, in silico predictors for this gene do not accurately predict pathogenicity. Based on the available evidence, the clinical significance of this alteration remains unclear.

All of Us Research Program, National Institutes of Health
Classification: Uncertain significance for Classic or attenuated familial adenomatous polyposis. Last evaluated: 2023-12-01. Review status: criteria provided, single submitter. Criteria: ACMG Guidelines, 2015. Collection method: clinical testing. Allele origin: germline. Inheritance: Autosomal dominant inheritance. Observed: 3 variant alleles, 3 heterozygotes.
Comment: This missense variant replaces asparagine with serine at codon 2162 of the APC protein. Computational prediction suggests that this variant may not impact protein structure and function (internally defined REVEL score threshold <= 0.5, PMID: 27666373). To our knowledge, functional studies have not been reported for this variant. This variant has not been reported in individuals affected with APC-related disorders in the literature. This variant has not been identified in the general population by the Genome Aggregation Database (gnomAD). The available evidence is insufficient to determine the role of this variant in disease conclusively. Therefore, this variant is classified as a Variant of Uncertain Significance.

This study involves interpretation of variants in research participants for the purpose of population health screening. Participant phenotype was not available at the time of variant classification. Additional details can be found in publication PMID: 35346344, PMCID: PMC8962531

Baylor Genetics
Classification: Uncertain significance for Familial adenomatous polyposis 1. Last evaluated: 2023-06-12. Review status: criteria provided, single submitter. Criteria: ACMG Guidelines, 2015. Collection method: clinical testing. Allele origin: unknown.

GeneDx
Classification: Uncertain significance. Last evaluated: 2017-02-07. Review status: criteria provided, single submitter. Criteria: GeneDx Variant Classification (06012015). Collection method: clinical testing. Allele origin: germline. Affected: yes.
Comment: This variant is denoted APC c.6485A>G at the cDNA level, p.Asn2162Ser (N2162S) at the protein level, and results in the change of an Asparagine to a Serine (AAT>AGT). This variant has not, to our knowledge, been published in the literature as pathogenic or benign. APC Asn2162Ser was not observed in approximately 6,500 individuals of European and African American ancestry in the NHLBI Exome Sequencing Project, suggesting it is not a common benign variant in these populations. Since Asparagine and Serine share similar properties, this is considered a conservative amino acid substitution. APC Asn2162Ser occurs at a position that is conserved in mammals and is located in the basic domain (Azzopardi 2008). In silico analyses are inconsistent regarding the effect this variant may have on protein structure and function. Based on currently available evidence, it is unclear whether APC Asn2162Ser is pathogenic or benign. We consider it to be a variant of uncertain significance.

NM_000038.6(APC):c.6485A>G (p.Asn2162Ser)

Gene: APC (APC regulator of Wnt signaling pathway; plus strand). Cytogenetic location: 5q22.2.
Variant type: single nucleotide variant.
Coding change: c.6485A>G on transcript NM_000038.6 (MANE Select); coding-DNA position 6485, A replaced by G.
Protein change: p.Asn2162Ser; replaces asparagine 2162 with serine.
Molecular consequence: missense variant.
Genome position (GRCh38, 1-based): chr5:112,842,079, A>G. VCF-style: chr5-112842079-A-G. GRCh37 (hg19) VCF-style: chr5-112177776-A-G.
Other names: c.6485A>G, p.Asn2162Ser (NM_001127510.3, NM_001354895.2); c.6431A>G, p.Asn2144Ser (NM_001127511.3); c.6539A>G, p.Asn2180Ser (NM_001354896.2); c.6515A>G, p.Asn2172Ser (NM_001354897.2); c.6410A>G, p.Asn2137Ser (NM_001354898.2); c.6401A>G, p.Asn2134Ser (NM_001354899.2); c.6362A>G, p.Asn2121Ser (NM_001354900.2); c.6308A>G, p.Asn2103Ser (NM_001354901.2); and 5 more; short protein forms N2144S, N2162S, N2103S, N2002S, N2071S, N2137S, N1879S, N2121S.
Identifiers: ClinVar variation 421555 (VCV000421555.22), dbSNP rs1064795210, ClinGen allele CA16035526.
Genomic context (GRCh38, chr5:112,842,079, plus strand): 5'-TCTCTCTGGGATCACCATTTCATCTTACACCTGATCAAGAAGAAAAACCCTTTACAAGTA[A>G]TAAAGGCCCACGAATTCTAAAACCAGGGGAGAAAAGTACATTGGAAACTAAAAAGATAGA-3'
Protein context (NP_000029.2, residues 2152-2172): PDQEEKPFTS[Asn2162Ser]KGPRILKPGE